The following is an entry in ClinVar:

NM_005243.4(EWSR1):c.1783G>A (p.Asp595Asn)

Gene: EWSR1 (EWS RNA binding protein 1; plus strand). Cytogenetic location: 22q12.2.
Variant type: single nucleotide variant.
Coding change: c.1783G>A on transcript NM_005243.4 (MANE Select); coding-DNA position 1783, G replaced by A.
Protein change: p.Asp595Asn; replaces aspartic acid 595 with asparagine.
Molecular consequence: missense variant.
Genome position (GRCh38, 1-based): chr22:29,299,703, G>A. VCF-style: chr22-29299703-G-A. GRCh37 (hg19) VCF-style: chr22-29695693-G-A.
Other names: c.1780G>A, p.Asp594Asn (NM_001163285.2); c.1615G>A, p.Asp539Asn (NM_001163286.2); c.1798G>A, p.Asp600Asn (NM_013986.4); short protein forms D539N, D594N, D595N, D600N.
Identifiers: ClinVar variation 981021 (VCV000981021.3), dbSNP rs2061187258, ClinGen allele CA411121156.

ClinVar aggregate classification (germline): Uncertain significance (1 of 4 stars; one submission).

Conditions:
Amyotrophic lateral sclerosis (ALS). Also called: Charcot disease; Lou Gehrig disease. Identifiers: Orphanet 803, MedGen C0002736, MONDO:0004976, HP:0007354.

Submission:

UM ALS/MND Lab, University Of Malta
Classification: Uncertain significance for Amyotrophic lateral sclerosis. Last evaluated: 2020-09-09. Review status: criteria provided, single submitter. Criteria: ACMG Guidelines, 2015. Collection method: case-control. Allele origin: unknown. Affected: yes. Observed: 1 variant allele.
Comment: Single heterozygote